The following is an entry in ClinVar:

NM_001348716.2(KDM6B):c.3332A>G (p.Glu1111Gly)

Gene: KDM6B (lysine demethylase 6B; plus strand). Cytogenetic location: 17p13.1.
Variant type: single nucleotide variant.
Coding change: c.3332A>G on transcript NM_001348716.2 (MANE Select); coding-DNA position 3332, A replaced by G.
Protein change: p.Glu1111Gly; replaces glutamic acid 1111 with glycine.
Molecular consequence: missense variant.
Genome position (GRCh38, 1-based): chr17:7,849,620, A>G. VCF-style: chr17-7849620-A-G. GRCh37 (hg19) VCF-style: chr17-7752938-A-G.
Other names: c.3332A>G, p.Glu1111Gly (NM_001080424.2); short protein forms E1111G.
Identifiers: ClinVar variation 4531033 (VCV004531033.1).
Genomic context (GRCh38, chr17:7,849,620, plus strand): 5'-AGCTGCGCTCACTTAGTGAGGGGCCCCCCAAGGAGCTGAAGATCCGGCTCATCAAGGTAG[A>G]GAGTGGTGACAAGGAGACCTTTATCGCCTCTGAGGTGGAAGAGCGGCGGCTGCGCATGGC-3'
Protein context (NP_001335645.1, residues 1101-1121): KELKIRLIKV[Glu1111Gly]SGDKETFIAS

ClinVar aggregate classification (germline): Uncertain significance (1 of 4 stars; one submission).

Submission:

GeneDx
Classification: Uncertain significance. Last evaluated: 2025-05-19. Review status: criteria provided, single submitter. Criteria: GeneDx Variant Classification Process June 2021. Collection method: clinical testing. Allele origin: germline. Affected: yes.
Comment: Not observed at significant frequency in large population cohorts (gnomAD); In silico analysis supports that this missense variant has a deleterious effect on protein structure/function; Has not been previously published as pathogenic or benign to our knowledge